The following is an entry in ClinVar:

ClinVar aggregate classification (germline): Uncertain significance (1 of 4 stars; one submission).

Conditions:
Familial adenomatous polyposis 1 (FAP1). Also called: FAMILIAL ADENOMATOUS POLYPOSIS 1, ATTENUATED; POLYPOSIS, ADENOMATOUS INTESTINAL. Identifiers: MedGen C2713442, MONDO:0021056, OMIM 175100. Disease mechanism: loss of function.

Submission:

Labcorp Genetics (formerly Invitae), Labcorp
Classification: Uncertain significance for Familial adenomatous polyposis 1. Last evaluated: 2021-08-09. Review status: criteria provided, single submitter. Criteria: Invitae Variant Classification Sherloc (09022015). Collection method: clinical testing. Allele origin: germline.
Comment: Algorithms developed to predict the effect of missense changes on protein structure and function are either unavailable or do not agree on the potential impact of this missense change (SIFT: "Deleterious"; PolyPhen-2: "Probably Damaging"; Align-GVGD: "Class C0"). Algorithms developed to predict the effect of sequence changes on RNA splicing suggest that this variant may create or strengthen a splice site, but this prediction has not been confirmed by published transcriptional studies. In summary, the available evidence is currently insufficient to determine the role of this variant in disease. Therefore, it has been classified as a Variant of Uncertain Significance. This variant has not been reported in the literature in individuals with APC-related conditions. This sequence change replaces valine with glycine at codon 1528 of the APC protein (p.Val1528Gly). The valine residue is highly conserved and there is a moderate physicochemical difference between valine and glycine. This variant is not present in population databases (ExAC no frequency).

NM_000038.6(APC):c.4583T>G (p.Val1528Gly)

Gene: APC (APC regulator of Wnt signaling pathway; plus strand). Cytogenetic location: 5q22.2.
Variant type: single nucleotide variant.
Coding change: c.4583T>G on transcript NM_000038.6 (MANE Select); coding-DNA position 4583, T replaced by G.
Protein change: p.Val1528Gly; replaces valine 1528 with glycine.
Molecular consequence: missense variant.
Genome position (GRCh38, 1-based): chr5:112,840,177, T>G. VCF-style: chr5-112840177-T-G. GRCh37 (hg19) VCF-style: chr5-112175874-T-G.
Other names: c.4583T>G, p.Val1528Gly (NM_001127510.3, NM_001354895.2); c.4529T>G, p.Val1510Gly (NM_001127511.3); c.4637T>G, p.Val1546Gly (NM_001354896.2); c.4613T>G, p.Val1538Gly (NM_001354897.2); c.4508T>G, p.Val1503Gly (NM_001354898.2); c.4499T>G, p.Val1500Gly (NM_001354899.2); c.4460T>G, p.Val1487Gly (NM_001354900.2); c.4406T>G, p.Val1469Gly (NM_001354901.2); and 5 more; short protein forms V1427G, V1437G, V1546G, V1245G, V1469G, V1500G, V1510G, V1402G.
Identifiers: ClinVar variation 1522132 (VCV001522132.8), dbSNP rs1561593719, ClinGen allele CA16031368.